The following is an entry in ClinVar:

NM_005219.5(DIAPH1):c.2609C>T (p.Pro870Leu)

Gene: DIAPH1 (diaphanous related formin 1; minus strand). Cytogenetic location: 5q31.3.
Variant type: single nucleotide variant.
Coding change: c.2609C>T on transcript NM_005219.5 (MANE Select); coding-DNA position 2609, C replaced by T.
Protein change: p.Pro870Leu; replaces proline 870 with leucine.
Molecular consequence: missense variant.
Genome position (GRCh38, 1-based): chr5:141,529,670, G>A on the plus strand (C>T on the coding strand, the complement: DIAPH1 is on the minus strand). VCF-style: chr5-141529670-G-A. GRCh37 (hg19) VCF-style: chr5-140909237-G-A.
Other names: c.2582C>T, p.Pro861Leu (NM_001079812.3); c.2609C>T, p.Pro870Leu (NM_001314007.2); short protein forms P861L, P870L.
Identifiers: ClinVar variation 2937755 (VCV002937755.3), dbSNP rs1340027946, ClinGen allele CA361586564.
Genomic context (GRCh38, chr5:141,529,670, plus strand): 5'-ATAGACTCAGTCAGAACAGCCTCATTCACCTCCAGGATGACATTCTTAATCTCTTGATAG[G>A]GCATGCGGAAGGAACCCAAAAAGATTGCTGCCAGAAAATGAGATATTAAGACATGTTCTT-3'
Protein context (NP_005210.3, residues 860-880): LSIFLGSFRM[Pro870Leu]YQEIKNVILE

ClinVar aggregate classification (germline): Uncertain significance (1 of 4 stars; one submission).

Conditions:
Progressive microcephaly-seizures-cortical blindness-developmental delay syndrome. Also called: Seizures, cortical blindness, and microcephaly syndrome. Identifiers: Orphanet 477814, MedGen C5567650, MONDO:0014714, OMIM 616632.
Autosomal dominant nonsyndromic hearing loss 1. Also called: KONIGSMARK SYNDROME; DEAFNESS, AUTOSOMAL DOMINANT 1, WITH OR WITHOUT THROMBOCYTOPENIA. Identifiers: Orphanet 90635, MedGen C1852282, MONDO:0007424, OMIM 124900.

Submission:

Labcorp Genetics (formerly Invitae), Labcorp
Classification: Uncertain significance for Progressive microcephaly-seizures-cortical blindness-developmental delay syndrome; Autosomal dominant nonsyndromic hearing loss 1. Last evaluated: 2023-08-23. Review status: criteria provided, single submitter. Criteria: Invitae Variant Classification Sherloc (09022015). Collection method: clinical testing. Allele origin: germline.
Comment: This variant is not present in population databases (gnomAD no frequency). In summary, the available evidence is currently insufficient to determine the role of this variant in disease. Therefore, it has been classified as a Variant of Uncertain Significance. An algorithm developed to predict the effect of missense changes on protein structure and function (PolyPhen-2) suggests that this variant is likely to be disruptive. This variant has not been reported in the literature in individuals affected with DIAPH1-related conditions. This sequence change replaces proline, which is neutral and non-polar, with leucine, which is neutral and non-polar, at codon 870 of the DIAPH1 protein (p.Pro870Leu).